The following is an entry in ClinVar:

NM_007294.4(BRCA1):c.-4A>T

Gene: BRCA1 (BRCA1 DNA repair associated; minus strand). Cytogenetic location: 17q21.31.
Variant type: single nucleotide variant.
Coding change: c.-4A>T on transcript NM_007294.4 (MANE Select); 4 bases upstream of the start codon, A replaced by T.
Molecular consequence: 5 prime UTR variant. On other transcripts: non-coding transcript variant (1).
Genome position (GRCh38, 1-based): chr17:43,124,100, T>A on the plus strand (A>T on the coding strand, the complement: BRCA1 is on the minus strand). VCF-style: chr17-43124100-T-A. GRCh37 (hg19) VCF-style: chr17-41276117-T-A.
Other names: c.-192A>T (NM_001407571.1, NM_001407853.1, NM_001407879.1 and 46 more transcripts); c.-4A>T (NM_001407581.1, NM_001407582.1, NM_001407583.1 and 193 more transcripts); c.-261A>T (NM_001407694.1, NM_001407724.1, NM_001407727.1 and 11 more transcripts); c.-265A>T (NM_001407695.1, NM_001408465.1); c.-406A>T (NM_001407696.1); c.-290A>T (NM_001407697.1, NM_001407846.1, NM_001407920.1); c.-91A>T (NM_001407698.1, NM_001407732.1, NM_001407736.1 and 23 more transcripts); c.-264A>T (NM_001407725.1, NM_001407730.1, NM_001407734.1 and 22 more transcripts); and 8 more.
Identifiers: ClinVar variation 869050 (VCV000869050.3), dbSNP rs1567823527, ClinGen allele CA916081139.

Conditions:
Breast-ovarian cancer, familial, susceptibility to, 1 (BROVCA1). Also called: BRCA1 Hereditary Breast and Ovarian Cancer; OVARIAN CANCER, SUSCEPTIBILITY TO. Identifiers: Orphanet 145, MedGen C2676676, MONDO:0011450, OMIM 604370. Disease mechanism: loss of function.

Submission:

Brotman Baty Institute, University of Washington
No classification provided (evidence only). Condition: Breast-ovarian cancer, familial 1. Review status: no classification provided. Collection method: in vitro. Allele origin: not applicable. Functional consequence: functionally_normal.
ClinVar note: "not provided" was previously submitted as the classification for the variant. However, the classification appeared to be based only on an observation of functional data so it was converted to no classification on 2025-07-30.